The following is an entry in ClinVar:

NM_001165963.4(SCN1A):c.3152T>C (p.Leu1051Pro)

Genes: SCN1A (sodium voltage-gated channel alpha subunit 1; minus strand), LOC102724058 (uncharacterized LOC102724058; plus strand). Cytogenetic location: 2q24.3.
Variant type: single nucleotide variant.
Coding change: c.3152T>C on transcript NM_001165963.4 (MANE Select); coding-DNA position 3152, T replaced by C.
Protein change: p.Leu1051Pro; replaces leucine 1051 with proline.
Molecular consequence: missense variant. On other transcripts: non-coding transcript variant (2).
Genome position (GRCh38, 1-based): chr2:166,036,325, A>G on the plus strand (T>C on the coding strand, the complement: SCN1A is on the minus strand). VCF-style: chr2-166036325-A-G. GRCh37 (hg19) VCF-style: chr2-166892835-A-G.
Other names: c.3068T>C, p.Leu1023Pro (NM_001165964.3, NM_001353957.2, NM_001353958.2); c.3152T>C, p.Leu1051Pro (NM_001202435.3, NM_001353948.2); c.3119T>C, p.Leu1040Pro (NM_001353949.2, NM_001353950.2, NM_001353951.2 and 2 more transcripts); c.3116T>C, p.Leu1039Pro (NM_001353954.2, NM_001353955.2); c.3065T>C, p.Leu1022Pro (NM_001353960.2); c.710T>C, p.Leu237Pro (NM_001353961.2); short protein forms L1040P, L1051P, L1022P, L1039P, L237P, L1023P.
Identifiers: ClinVar variation 588233 (VCV000588233.16), dbSNP rs776055539, ClinGen allele CA1943002.

ClinVar aggregate classification (germline): Conflicting classifications of pathogenicity. Review status: criteria provided, conflicting classifications (1 of 4 stars). 3 submissions from 3 submitters: Uncertain significance (2); Likely benign (1). Last evaluated 2026-01-10.

Conditions:
Developmental and epileptic encephalopathy 6B. Also called: Developmental and epileptic encephalopathy 6B, non-Dravet. Identifiers: MedGen C5543353, MONDO:0030268, OMIM 619317.
Inborn genetic diseases. Identifiers: MedGen C0950123, MeSH D030342.
Early-infantile DEE. Also called: Early infantile epileptic encephalopathy; Ohtahara syndrome; Early infantile epileptic encephalopathy with suppression bursts. Identifiers: Orphanet 1934, MedGen C0393706, MONDO:0800491.

Allele frequency attached by ClinVar (database versions not stated): gnomAD 0.00001; gnomAD exomes 0.00002 and 0.00004; ExAC 0.00004.
gnomAD v4.1: 35 of 1,612,696 alleles (0.0022%); highest among the groups gnomAD compares: South Asian, 0.033%; no homozygotes.

Submissions (3):

Labcorp Genetics (formerly Invitae), Labcorp
Classification: Uncertain significance for Early-infantile DEE. Last evaluated: 2026-01-10. Review status: criteria provided, single submitter. Criteria: Invitae Variant Classification Sherloc (09022015). Collection method: clinical testing. Allele origin: germline.
Comment: This sequence change replaces leucine, which is neutral and non-polar, with proline, which is neutral and non-polar, at codon 1051 of the SCN1A protein (p.Leu1051Pro). This variant is present in population databases (rs776055539, gnomAD 0.03%). This variant has not been reported in the literature in individuals affected with SCN1A-related conditions. ClinVar contains an entry for this variant (Variation ID: 588233). Invitae Evidence Modeling of protein sequence and biophysical properties (such as structural, functional, and spatial information, amino acid conservation, physicochemical variation, residue mobility, and thermodynamic stability) has been performed for this missense variant. However, the output from this modeling did not meet the statistical confidence thresholds required to predict the impact of this variant on SCN1A protein function. In summary, the available evidence is currently insufficient to determine the role of this variant in disease. Therefore, it has been classified as a Variant of Uncertain Significance.

Neuberg Centre For Genomic Medicine, NCGM
Classification: Uncertain significance for Developmental and epileptic encephalopathy 6B. Last evaluated: 2023-06-22. Review status: criteria provided, single submitter. Criteria: ACMG Guidelines, 2015. Collection method: clinical testing. Allele origin: germline. Inheritance: Autosomal dominant inheritance. Affected: yes.
Comment: The observed missense c.3152T>C(p.Leu1051Pro) variant in SCN1A gene has not been reported previously as a pathogenic variant nor as a benign variant, to our knowledge. This variant is present with an allele frequency of 0.004% in gnomAD Exomes database. This variant has been submitted to the ClinVar database as Likely Benign/ Uncertain Significance. Computational evidence (Polyphen - Benign, SIFT - Tolerated and MutationTaster -Disease causing) predicts conflicting evidence on protein structure and function for this variant. The reference amino acid in SCN1A is predicted as conserved by GERP++ and PhyloP across 100 vertebrates. The amino acid Leu at position 1051 is changed to a Pro changing protein sequence and it might alter its composition and physico-chemical properties. For these reasons, this variant has been classified as Uncertain Significance (VUS).

Ambry Genetics
Classification: Likely benign for Inborn genetic diseases. Last evaluated: 2017-09-08. Review status: criteria provided, single submitter. Criteria: Ambry Variant Classification Scheme 2023. Collection method: clinical testing. Allele origin: germline.